The following is an entry in ClinVar:

ClinVar aggregate classification (germline): Uncertain significance. Review status: criteria provided, multiple submitters, no conflicts (2 of 4 stars). 2 submissions from 2 submitters: Uncertain significance (2). Last evaluated 2024-12-16.

Conditions:
Inborn genetic diseases. Identifiers: MedGen C0950123, MeSH D030342.

Allele frequency attached by ClinVar (database versions not stated): gnomAD exomes 0.00002 and 0.00004; gnomAD 0.00006; ExAC 0.00007; ESP Exome Variant Server 0.00015; 1000 Genomes Project 0.00020; 1000 Genomes Project 30x 0.00031.
gnomAD v4.1: 46 of 1,613,426 alleles (0.0029%); highest among the groups gnomAD compares: African/African-American, 0.011%; no homozygotes.

Submissions (2):

Labcorp Genetics (formerly Invitae), Labcorp
Classification: Uncertain significance. Last evaluated: 2024-12-16. Review status: criteria provided, single submitter. Criteria: Invitae Variant Classification Sherloc (09022015). Collection method: clinical testing. Allele origin: germline.
Comment: This sequence change replaces proline, which is neutral and non-polar, with leucine, which is neutral and non-polar, at codon 174 of the STX3 protein (p.Pro174Leu). This variant is present in population databases (rs373637735, gnomAD 0.02%). This variant has not been reported in the literature in individuals affected with STX3-related conditions. ClinVar contains an entry for this variant (Variation ID: 1420474). An algorithm developed to predict the effect of missense changes on protein structure and function (PolyPhen-2) suggests that this variant¬†is likely to be tolerated. In summary, the available evidence is currently insufficient to determine the role of this variant in disease. Therefore, it has been classified as a Variant of Uncertain Significance.

Ambry Genetics
Classification: Uncertain significance for Inborn genetic diseases. Last evaluated: 2024-11-26. Review status: criteria provided, single submitter. Criteria: Ambry Variant Classification Scheme 2023. Collection method: clinical testing. Allele origin: germline.

NM_004177.5(STX3):c.521C>T (p.Pro174Leu)

Gene: STX3 (syntaxin 3; plus strand). Cytogenetic location: 11q12.1.
Variant type: single nucleotide variant.
Coding change: c.521C>T on transcript NM_004177.5 (MANE Select); coding-DNA position 521, C replaced by T.
Protein change: p.Pro174Leu; replaces proline 174 with leucine.
Molecular consequence: missense variant.
Genome position (GRCh38, 1-based): chr11:59,793,153, C>T. VCF-style: chr11-59793153-C-T. GRCh37 (hg19) VCF-style: chr11-59560626-C-T.
Other names: c.521C>T, p.Pro174Leu (NM_001178040.3); short protein forms P174L.
Identifiers: ClinVar variation 1420474 (VCV001420474.5), dbSNP rs373637735, ClinGen allele CA6020907.
Genomic context (GRCh38, chr11:59,793,153, plus strand): 5'-ACAAAGCTGGCAAAAAGACAACCGATGAGGAGCTGGAGGAGATGTTGGAGAGTGGCAACC[C>T]GGCCATCTTCACTTCTGGGGTGAGTGCCCTGTGTGCTCGGATAGCACATCCCTCTCGTGA-3'
Protein context (NP_004168.1, residues 164-184): ELEEMLESGN[Pro174Leu]AIFTSGIIDS